The following is an entry in ClinVar:

NM_001098816.3(TENM4):c.653A>G (p.His218Arg)

Gene: TENM4 (teneurin transmembrane protein 4; minus strand). Cytogenetic location: 11q14.1.
Variant type: single nucleotide variant.
Coding change: c.653A>G on transcript NM_001098816.3 (MANE Select); coding-DNA position 653, A replaced by G.
Protein change: p.His218Arg; replaces histidine 218 with arginine.
Molecular consequence: missense variant.
Genome position (GRCh38, 1-based): chr11:78,903,364, T>C on the plus strand (A>G on the coding strand, the complement: TENM4 is on the minus strand). VCF-style: chr11-78903364-T-C. GRCh37 (hg19) VCF-style: chr11-78614409-T-C.
Other names: p.His218Arg; short protein forms H218R.
Identifiers: ClinVar variation 4182579 (VCV004182579.2).

ClinVar aggregate classification (germline): Uncertain significance. Review status: criteria provided, multiple submitters, no conflicts (2 of 4 stars). 2 submissions from 2 submitters: Uncertain significance (2). Last evaluated 2025-08-11.

gnomAD v4.1: 14 of 1,496,314 alleles (0.00094%); highest among the groups gnomAD compares: African/African-American, 0.0087%; no homozygotes.

Submissions (2):

Ambry Genetics
Classification: Uncertain significance. Last evaluated: 2025-08-11. Review status: criteria provided, single submitter. Criteria: Ambry Variant Classification Scheme 2023. Collection method: clinical testing. Allele origin: germline.

Mayo Clinic Laboratories, Mayo Clinic
Classification: Uncertain significance. Last evaluated: 2025-02-27. Review status: criteria provided, single submitter. Criteria: ACMG Guidelines, 2015. Collection method: clinical testing. Allele origin: germline. Observed: 1 variant allele.
Comment: BP4_moderate